The following is an entry in ClinVar:

NM_004364.5(CEBPA):c.341del (p.Gly114fs)

Gene: CEBPA (CCAAT enhancer binding protein alpha; minus strand). Cytogenetic location: 19q13.11.
Variant type: Deletion.
Coding change: c.341del on transcript NM_004364.5 (MANE Select); coding-DNA position 341, one base deleted (G; older notation c.341delG).
Protein change: p.Gly114fs; shifts the reading frame from glycine 114.
Molecular consequence: frameshift variant. On other transcripts: 5 prime UTR variant (1).
Genome position (GRCh38, 1-based): chr19:33,302,074, C deleted on the plus strand (G on the coding strand, the reverse complement: CEBPA is on the minus strand); the first of 3 consecutive C bases (chr19:33,302,074-33,302,076); deleting any one gives the same sequence. VCF-style (leftmost placement, unchanged base first): chr19-33302073-GC-G. GRCh37 (hg19) VCF-style: chr19-33792979-GC-G.
Other names: c.-17del (NM_001285829.2); c.446del, p.Gly149fs (NM_001287424.2); c.299del, p.Gly100fs (NM_001287435.2); short protein forms G100fs, G114fs, G149fs.
Identifiers: ClinVar variation 3766813 (VCV003766813.1).

ClinVar aggregate classification (germline): Likely pathogenic (1 of 4 stars; one submission).

Submission:

ARUP Laboratories, Molecular Genetics and Genomics, ARUP Laboratories
Classification: Likely pathogenic. Last evaluated: 2024-09-03. Review status: criteria provided, single submitter. Criteria: ARUP Molecular Germline Variant Investigation Process 2024. Collection method: clinical testing. Allele origin: germline.
Comment: The CEBPA c.341del; p.Gly114AlafsTer46 variant, to our knowledge, is not reported in the medical literature or gene specific databases. This variant is also absent from the Genome Aggregation Database (v2.1.1), indicating it is not a common polymorphism. This variant causes a frameshift by deleting a single nucleotide, so it is predicted to result in a truncated protein or mRNA subject to nonsense-mediated decay. Additionally, several downstream truncating variants have been described in individuals with familial AML and are considered Pathogenic (Tawana 2015). Based on available information, this variant is considered to be likely pathogenic. References: Tawana K et al. Disease evolution and outcomes in familial AML with germline CEBPA mutations. Blood. 2015 Sep 3;126(10):1214-23. PMID: 26162409.